The following is an entry in ClinVar:

ClinVar aggregate classification (germline): Uncertain significance. Review status: criteria provided, multiple submitters, no conflicts (2 of 4 stars). 4 submissions from 4 submitters: Uncertain significance (4). Last evaluated 2026-07-15.

Conditions:
IFT140-related disorder. Also called: IFT140-related condition.
Retinitis pigmentosa 80 (RP80). Identifiers: MedGen C4540439, MONDO:0054708, OMIM 617781.
Saldino-Mainzer syndrome (SRTD9). Also called: short-rib thoracic dysplasia 9 with or without polydactyly; Renal dysplasia, retinal pigmentary dystrophy, cerebellar ataxia and skeletal dysplasia; CONORENAL SYNDROME; SHORT-RIB THORACIC DYSPLASIA 9 WITHOUT POLYDACTYLY. Identifiers: Orphanet 140969, MedGen C1849437, MONDO:0009964, OMIM 266920.

Submissions (4):

PreventionGenetics, part of Exact Sciences
Classification: Uncertain significance for IFT140-related condition. Last evaluated: 2026-07-15. Review status: criteria provided, single submitter. Criteria: ACMG Guidelines, 2015. Collection method: clinical testing. Allele origin: germline.
Comment: The IFT140 c.4214_4216delGGC variant is predicted to result in an in-frame deletion (p.Arg1405del). To our knowledge, this variant has not been reported in the literature. This variant is reported in 0.00083% of alleles in individuals of European (Non-Finnish) descent in gnomAD. At this time, the clinical significance of this variant is uncertain due to the absence of conclusive functional and genetic evidence.

Labcorp Genetics (formerly Invitae), Labcorp
Classification: Uncertain significance for Saldino-Mainzer syndrome. Last evaluated: 2025-01-13. Review status: criteria provided, single submitter. Criteria: Invitae Variant Classification Sherloc (09022015). Collection method: clinical testing. Allele origin: germline.
Comment: This variant, c.4214_4216del, results in the deletion of 1 amino acid(s) of the IFT140 protein (p.Arg1405del), but otherwise preserves the integrity of the reading frame. This variant is present in population databases (no rsID available, gnomAD 0.0009%). This variant has not been reported in the literature in individuals affected with IFT140-related conditions. ClinVar contains an entry for this variant (Variation ID: 849213). Experimental studies and prediction algorithms are not available or were not evaluated, and the functional significance of this variant is currently unknown. In summary, the available evidence is currently insufficient to determine the role of this variant in disease. Therefore, it has been classified as a Variant of Uncertain Significance.

Fulgent Genetics
Classification: Uncertain significance for Saldino-Mainzer syndrome; Retinitis pigmentosa 80. Last evaluated: 2024-05-28. Review status: criteria provided, single submitter. Criteria: ACMG Guidelines, 2015. Collection method: clinical testing. Allele origin: germline.

Blueprint Genetics
Classification: Uncertain significance. Last evaluated: 2021-07-20. Review status: criteria provided, single submitter. Criteria: ACMG Guidelines, 2015. Collection method: clinical testing. Allele origin: germline.

NM_014714.4(IFT140):c.4208GGC[2] (p.Arg1405del)

Gene: IFT140 (intraflagellar transport 140; minus strand). Cytogenetic location: 16p13.3.
Variant type: Microsatellite.
Coding change: c.4208GGC[2] on transcript NM_014714.4 (MANE Select); two copies in a row of the 3-base unit GGC starting at c.4208; the reference has three copies in a row; one copy, 3 bases deleted; also written c.4214_4216del.
Protein change: p.Arg1405del; deletes arginine 1405.
Molecular consequence: inframe deletion.
Genome position (GRCh38, 1-based): chr16:1,511,117-1,511,119, GCC deleted on the plus strand (GGC on the coding strand, the reverse complement: IFT140 is on the minus strand); deleting any 3 consecutive bases within chr16:1,511,117-1,511,127 gives the same sequence; the position shown is the placement nearest the transcript's 3' end. VCF-style (leftmost placement, unchanged base first): chr16-1511116-AGCC-A. GRCh37 (hg19) VCF-style: chr16-1561117-AGCC-A.
Other names: c.4214_4216del (NM_014714.4); c.4214_4216delGGC (NM_014714.3); short protein forms R1405del.
Identifiers: ClinVar variation 849213 (VCV000849213.9), dbSNP rs754312950, ClinGen allele CA276668331.
Genomic context (GRCh38, chr16:1,511,116, plus strand): 5'-CCCCGGTGCACGGCGTCCACGGCCTGCGGGCTCACGTAGTAGGACATGTTGGCCAAGGGA[AGCC>A]GCCGCCGCATCTCCTCCAGGAATCTGTAGGCCTGGGGCAGAGGAGCAGACATTACTCAGC-3'